The following is an entry in ClinVar:

ClinVar aggregate classification (germline): Uncertain significance. Review status: criteria provided, multiple submitters, no conflicts (2 of 4 stars). 4 submissions from 4 submitters: Uncertain significance (4). Last evaluated 2026-01-08.

Conditions:
Hereditary cancer-predisposing syndrome. Also called: Neoplastic Syndromes, Hereditary; Tumor predisposition; Hereditary neoplastic syndrome; Hereditary Cancer Syndrome. Identifiers: Orphanet 140162, MedGen C0027672, MeSH D009386, MONDO:0015356.
Endometrial carcinoma. Also called: Endometrial carcinoma, somatic. Identifiers: MedGen C0476089, MONDO:0002447, OMIM 608089, HP:0012114.

Allele frequency attached by ClinVar (database versions not stated): TOPMed 0.00002; gnomAD 0.00003 and 0.00004.
gnomAD v4.1: 13 of 1,613,846 alleles (0.00081%); highest among the groups gnomAD compares: African/African-American, 0.0067%; no homozygotes.

Submissions (4):

Labcorp Genetics (formerly Invitae), Labcorp
Classification: Uncertain significance. Last evaluated: 2026-01-08. Review status: criteria provided, single submitter. Criteria: Invitae Variant Classification Sherloc (09022015). Collection method: clinical testing. Allele origin: germline.
Comment: This sequence change replaces arginine, which is basic and polar, with glutamine, which is neutral and polar, at codon 224 of the MSH3 protein (p.Arg224Gln). This variant is present in population databases (rs772141055, gnomAD 0.008%). This variant has not been reported in the literature in individuals affected with MSH3-related conditions. ClinVar contains an entry for this variant (Variation ID: 826577). An algorithm developed to predict the effect of missense changes on protein structure and function (PolyPhen-2) suggests that this variant is likely to be disruptive. In summary, the available evidence is currently insufficient to determine the role of this variant in disease. Therefore, it has been classified as a Variant of Uncertain Significance.

Ambry Genetics
Classification: Uncertain significance for Hereditary cancer-predisposing syndrome. Last evaluated: 2025-10-08. Review status: criteria provided, single submitter. Criteria: Ambry Variant Classification Scheme 2023. Collection method: clinical testing. Allele origin: germline.
Comment: The p.R224Q variant (also known as c.671G>A), located in coding exon 4 of the MSH3 gene, results from a G to A substitution at nucleotide position 671. The arginine at codon 224 is replaced by glutamine, an amino acid with highly similar properties. This amino acid position is highly conserved in available vertebrate species. In addition, the in silico prediction for this alteration is inconclusive. Since supporting evidence is limited at this time, the clinical significance of this alteration remains unclear.

Quest Diagnostics Nichols Institute San Juan Capistrano
Classification: Uncertain significance. Last evaluated: 2024-07-05. Review status: criteria provided, single submitter. Criteria: Quest Diagnostics criteria. Collection method: clinical testing. Allele origin: unknown.
Comment: The MSH3 c.671G>A (p.Arg224Gln) variant has not been reported in individuals with MSH3-related conditions in the published literature. The frequency of this variant in the general population, 0.000014 (4/282792 chromosomes (Genome Aggregation Database)), is uninformative in the assessment of its pathogenicity. Analysis of this variant using bioinformatics tools for the prediction of the effect of amino acid changes on protein structure and function yielded conflicting predictions that this variant is benign or damaging. Based on the available information, we are unable to determine the clinical significance of this variant.

Baylor Genetics
Classification: Uncertain significance for Endometrial carcinoma. Last evaluated: 2024-02-27. Review status: criteria provided, single submitter. Criteria: ACMG Guidelines, 2015. Collection method: clinical testing. Allele origin: unknown.

NM_002439.5(MSH3):c.671G>A (p.Arg224Gln)

Gene: MSH3 (mutS homolog 3; plus strand). Cytogenetic location: 5q14.1.
Variant type: single nucleotide variant.
Coding change: c.671G>A on transcript NM_002439.5 (MANE Select); coding-DNA position 671, G replaced by A.
Protein change: p.Arg224Gln; replaces arginine 224 with glutamine.
Molecular consequence: missense variant.
Genome position (GRCh38, 1-based): chr5:80,670,188, G>A. VCF-style: chr5-80670188-G-A. GRCh37 (hg19) VCF-style: chr5-79966007-G-A.
Other names: short protein forms R224Q.
Identifiers: ClinVar variation 826577 (VCV000826577.15), dbSNP rs772141055, ClinGen allele CA3327670.